The following is an entry in ClinVar:

ClinVar aggregate classification (germline): Uncertain significance (1 of 4 stars; one submission).

Submission:

CeGaT Center for Human Genetics Tuebingen
Classification: Uncertain significance. Last evaluated: 2023-11-01. Review status: criteria provided, single submitter. Criteria: CeGaT Center For Human Genetics Tuebingen Variant Classification Criteria Version 2. Collection method: clinical testing. Allele origin: germline. Affected: yes. Observed: 1 variant allele.
Comment: DYNC1H1: PM2, BP4

NM_001376.5(DYNC1H1):c.9763-5T>C

Gene: DYNC1H1 (dynein cytoplasmic 1 heavy chain 1; plus strand). Cytogenetic location: 14q32.31.
Variant type: single nucleotide variant.
Coding change: c.9763-5T>C on transcript NM_001376.5 (MANE Select); 5 bases into the intron before coding-DNA position 9763, T replaced by C.
Molecular consequence: intron variant.
Genome position (GRCh38, 1-based): chr14:102,030,157, T>C. VCF-style: chr14-102030157-T-C. GRCh37 (hg19) VCF-style: chr14-102496494-T-C.
Identifiers: ClinVar variation 2672571 (VCV002672571.23), dbSNP rs2503813209, ClinGen allele CA2695197223.